The following is an entry in ClinVar:

ClinVar aggregate classification (germline): Uncertain significance. Review status: criteria provided, multiple submitters, no conflicts (2 of 4 stars). 4 submissions from 4 submitters: Uncertain significance (4). Last evaluated 2024-07-02.

Conditions:
Hereditary cancer-predisposing syndrome. Also called: Neoplastic Syndromes, Hereditary; Tumor predisposition; Hereditary neoplastic syndrome; Hereditary Cancer Syndrome. Identifiers: Orphanet 140162, MedGen C0027672, MeSH D009386, MONDO:0015356.
Hereditary breast ovarian cancer syndrome. Also called: Hereditary breast and ovarian cancer syndrome; Hereditary breast and ovarian cancer; Hereditary breast and ovarian cancer syndrome (HBOC); Breast and ovarian cancer; Hereditary breast and/or ovarian cancer syndrome; BRCA1- and BRCA2-Associated Hereditary Breast and Ovarian Cancer. Identifiers: Orphanet 145, MedGen C0677776, MeSH D061325, MONDO:0003582. Disease mechanism: loss of function.

Submissions (4):

Ambry Genetics
Classification: Uncertain significance for Hereditary cancer-predisposing syndrome. Last evaluated: 2024-07-02. Review status: criteria provided, single submitter. Criteria: Ambry Variant Classification Scheme 2023. Collection method: clinical testing. Allele origin: germline.
Comment: The c.9945dupA variant, located in coding exon 26 of the BRCA2 gene, results from a duplication of A at nucleotide position 9945, causing a translational frameshift with a predicted alternate stop codon (p.E3316Rfs*11). Premature stop codons are typically deleterious in nature, however the pathogenicity of this alteration is not certain as the predicted alternate stop codon is located downstream to the last known pathogenic BRCA2 truncating mutation (p.Y3308*) and at the same codon as a known BRCA2 polymorphic nonsense alteration (p.K3326*) (Kuzenetsov S et al. Nat Med. 2008;14(8):875-81; Mazoyer S et al. Nat Genet. 1996;14(3):253&ndash;254). Based on the available evidence, the clinical significance of this variant remains unclear.

Labcorp Genetics (formerly Invitae), Labcorp
Classification: Uncertain significance for Hereditary breast ovarian cancer syndrome. Last evaluated: 2024-06-03. Review status: criteria provided, single submitter. Criteria: Invitae Variant Classification Sherloc (09022015). Collection method: clinical testing. Allele origin: germline.
Comment: This sequence change creates a premature translational stop signal (p.Glu3316Argfs*11) in the BRCA2 gene. While this is not anticipated to result in nonsense mediated decay, it is expected to disrupt the last 103 amino acid(s) of the BRCA2 protein. This variant is not present in population databases (gnomAD no frequency). This variant has not been reported in the literature in individuals affected with BRCA2-related conditions. ClinVar contains an entry for this variant (Variation ID: 628209). In summary, the available evidence is currently insufficient to determine the role of this variant in disease. Therefore, it has been classified as a Variant of Uncertain Significance.

Genetic Services Laboratory, University of Chicago
Classification: Uncertain significance. Last evaluated: 2021-06-27. Review status: criteria provided, single submitter. Criteria: ACMG Guidelines, 2015. Collection method: clinical testing. Allele origin: germline. Affected: no.
Comment: DNA sequence analysis of the BRCA2 gene demonstrated a single base pair duplication in exon 27 (last exon), c.9945dup. This sequence change results in an amino acid frameshift and creates a premature stop codon 11 amino acids downstream of the variant, p.Glu3316Argfs*11. This sequence change is not expected to result in nonsense-mediated decay, but disrupt the last 103 amino acids of the BRCA2 protein. This variant does not appear to have been previously described in individual with BRCA2-related disorders. It is absent in the gnomAD population database. The functional significance of this sequence change is not known at present.

Color Diagnostics, LLC DBA Color Health
Classification: Uncertain significance for Hereditary cancer-predisposing syndrome. Last evaluated: 2019-05-29. Review status: criteria provided, single submitter. Criteria: ACMG Guidelines, 2015. Collection method: clinical testing. Allele origin: germline.

NM_000059.4(BRCA2):c.9945dup (p.Glu3316fs)

Gene: BRCA2 (BRCA2 DNA repair associated; plus strand). Cytogenetic location: 13q13.1.
Variant type: Duplication.
Coding change: c.9945dup on transcript NM_000059.4 (MANE Select); coding-DNA position 9945, one base duplicated (A; older notation c.9945dupA).
Protein change: p.Glu3316fs; shifts the reading frame from glutamic acid 3316.
Molecular consequence: frameshift variant.
Genome position (GRCh38, 1-based): chr13:32,398,458, A duplicated; the last of 6 consecutive A bases (chr13:32,398,453-32,398,458); duplicating any one gives the same sequence. VCF-style (leftmost placement, unchanged base first): chr13-32398452-G-GA. GRCh37 (hg19) VCF-style: chr13-32972589-G-GA.
Other names: c.9945dupA (NM_000059.3); short protein forms E3316fs.
Identifiers: ClinVar variation 628209 (VCV000628209.17), dbSNP rs431825381, ClinGen allele CA645586596.